The following is an entry in ClinVar:

NM_005732.4(RAD50):c.80_83del (p.Phe27fs)

Gene: RAD50 (RAD50 double strand break repair protein; plus strand). Cytogenetic location: 5q31.1.
Variant type: Deletion.
Coding change: c.80_83del on transcript NM_005732.4 (MANE Select); coding-DNA positions 80 to 83, 4 bases deleted (TCTT; older notation c.80_83delTCTT).
Protein change: p.Phe27fs; shifts the reading frame from phenylalanine 27.
Molecular consequence: frameshift variant.
Genome position (GRCh38, 1-based): chr5:132,557,404-132,557,407, TCTT deleted; deleting any 4 consecutive bases within chr5:132,557,401-132,557,407 gives the same sequence; the c. name uses the placement nearest the transcript's 3' end. VCF-style (leftmost placement, unchanged base first): chr5-132557400-ACTTT-A. GRCh37 (hg19) VCF-style: chr5-131893092-ACTTT-A.
Other names: short protein forms F27fs.
Identifiers: ClinVar variation 2041924 (VCV002041924.4), dbSNP rs2479574073, ClinGen allele CA2580072660.

ClinVar aggregate classification (germline): Pathogenic (1 of 4 stars; one submission).

Conditions:
Hereditary cancer-predisposing syndrome. Also called: Neoplastic Syndromes, Hereditary; Hereditary Cancer Syndrome; Hereditary neoplastic syndrome; Tumor predisposition. Identifiers: Orphanet 140162, MedGen C0027672, MeSH D009386, MONDO:0015356.

Submission:

Labcorp Genetics (formerly Invitae), Labcorp
Classification: Pathogenic for Hereditary cancer-predisposing syndrome. Last evaluated: 2023-08-17. Review status: criteria provided, single submitter. Criteria: Invitae Variant Classification Sherloc (09022015). Collection method: clinical testing. Allele origin: germline.
Comment: This variant has not been reported in the literature in individuals affected with RAD50-related conditions. For these reasons, this variant has been classified as Pathogenic. ClinVar contains an entry for this variant (Variation ID: 2041924). This variant is not present in population databases (gnomAD no frequency). This sequence change creates a premature translational stop signal (p.Phe27Serfs*22) in the RAD50 gene. It is expected to result in an absent or disrupted protein product. Loss-of-function variants in RAD50 are known to be pathogenic (PMID: 19409520).

Literature cited by the submitters: PubMed 19409520.